The following is an entry in ClinVar:

NM_000213.5(ITGB4):c.5426dup (p.Thr1810fs)

Genes: GALK1 (galactokinase 1; minus strand), ITGB4 (integrin subunit beta 4; plus strand). Cytogenetic location: 17q25.1.
Variant type: Duplication.
Coding change: c.5426dup on transcript NM_000213.5 (MANE Select); coding-DNA position 5426, one base duplicated (G; older notation c.5426dupG).
Protein change: p.Thr1810fs; shifts the reading frame from threonine 1810.
Molecular consequence: frameshift variant. On other transcripts: intron variant (1).
Genome position (GRCh38, 1-based): chr17:75,757,512, G duplicated; the last of 2 consecutive G bases (chr17:75,757,511-75,757,512); duplicating either gives the same sequence. VCF-style (leftmost placement, unchanged base first): chr17-75757510-C-CG. GRCh37 (hg19) VCF-style: chr17-73753591-C-CG.
Other names: c.5375dup, p.Thr1793fs (NM_001005619.2); c.5216dup, p.Thr1740fs (NM_001005731.3, NM_001321123.2); c.5066dup, p.Thr1690fs (NM_001438834.1); c.*22+523dup (NM_001381985.1); c.5374dupG (NM_001005619.2); short protein forms T1740fs, T1793fs, T1810fs, T1690fs.
Identifiers: ClinVar variation 3606125 (VCV003606125.3).

ClinVar aggregate classification (germline): Conflicting classifications of pathogenicity. Review status: criteria provided, conflicting classifications (1 of 4 stars). 2 submissions from 2 submitters: Pathogenic (1); Uncertain significance (1). Last evaluated 2025-01-06.

Conditions:
Junctional epidermolysis bullosa with pyloric atresia. Also called: APLASIA CUTIS CONGENITA WITH GASTROINTESTINAL ATRESIA; CARMI SYNDROME; EB-PA-ACC; ITGB4-Related Epidermolysis Bullosa with Pyloric Atresia; Epidermolysis bullosa, junctional, with pyloric atresia and aplasia cutis congenita; Epidermolysis bullosa junctionalis with pyloric atresia. Identifiers: Orphanet 79403, MedGen C5676875, MONDO:0009183, OMIM 226730.

Submissions (2):

Labcorp Genetics (formerly Invitae), Labcorp
Classification: Uncertain significance. Last evaluated: 2025-01-06. Review status: criteria provided, single submitter. Criteria: Invitae Variant Classification Sherloc (09022015). Collection method: clinical testing. Allele origin: germline.
Comment: This sequence change creates a premature translational stop signal (p.Thr1740Asnfs*3) in the ITGB4 gene. While this is not anticipated to result in nonsense mediated decay, it is expected to disrupt the last 13 amino acid(s) of the ITGB4 protein. This variant is present in population databases (rs747452810, gnomAD 0.05%), including at least one homozygous and/or hemizygous individual. This variant has not been reported in the literature in individuals affected with ITGB4-related conditions. Experimental studies and prediction algorithms are not available or were not evaluated, and the functional significance of this variant is currently unknown. In summary, the available evidence is currently insufficient to determine the role of this variant in disease. Therefore, it has been classified as a Variant of Uncertain Significance.

Genetics Laboratory, Department of Biology, Semnan University
Classification: Pathogenic for Junctional epidermolysis bullosa with pyloric atresia. Last evaluated: 2019-03-05. Review status: criteria provided, single submitter. Criteria: ACMG Guidelines, 2015. Collection method: research. Allele origin: germline. Inheritance: Autosomal recessive inheritance. Affected: no. Observed: 1 variant allele, 1 heterozygote.
Comment: The identified variant leads to the duplication of Nucleotide C at position 5374 of ITGB4 gene leading to frameshift of coding sequence. Hence, this substitution could alter the amino acid sequence and could leads to a decreased or loss of function of mutated protein.

Literature cited by the submitters: DOI 10.1186/s43042-020-00055-7 (cited by Genetics Laboratory, Department of Biology, Semnan University).